The following is an entry in ClinVar:

ClinVar aggregate classification (germline): Conflicting classifications of pathogenicity. Review status: criteria provided, conflicting classifications (1 of 4 stars). 2 submissions from 2 submitters: Uncertain significance (1); Likely benign (1). Last evaluated 2025-05-01.

Conditions:
Deafness-lymphedema-leukemia syndrome. Also called: Emberger syndrome; Lymphedema, primary, with myelodysplasia. Identifiers: Orphanet 3226, MedGen C3279664, MONDO:0013540, OMIM 614038.
Monocytopenia with susceptibility to infections. Also called: GATA2 DEFICIENCY; MONOCYTOPENIA AND MYCOBACTERIAL INFECTION SYNDROME; MONOCYTOPENIA WITH SUSCEPTIBILITY TO MYCOBACTERIAL, FUNGAL, AND PAPILLOMAVIRUS INFECTIONS AND MYELODYSPLASIA; COMBINED IMMUNODEFICIENCY WITH SUSCEPTIBILITY TO MYCOBACTERIAL, VIRAL, AND FUNGAL INFECTIONS; IMMUNODEFICIENCY 21; Dendritic cell, monocyte, B lymphocyte, and natural killer lymphocyte deficiency. Identifiers: Orphanet 228423, MedGen C3280030, MONDO:0013607, OMIM 614172.
Inborn genetic diseases. Identifiers: MedGen C0950123, MeSH D030342.

Allele frequency attached by ClinVar (database versions not stated): gnomAD 0.00001.
gnomAD v4.1: 1 of 1,614,088 alleles (0.000062%); highest among the groups gnomAD compares: African/African-American, 0.0013%; no homozygotes.

Submissions (2):

Ambry Genetics
Classification: Uncertain significance for Inborn genetic diseases. Last evaluated: 2025-05-01. Review status: criteria provided, single submitter. Criteria: Ambry Variant Classification Scheme 2023. Collection method: clinical testing. Allele origin: germline.
Comment: The p.V440M variant (also known as c.1318G>A), located in coding exon 5 of the GATA2 gene, results from a G to A substitution at nucleotide position 1318. The valine at codon 440 is replaced by methionine, an amino acid with highly similar properties. This amino acid position is not well conserved in available vertebrate species. In addition, the in silico prediction for this alteration is inconclusive. Based on the available evidence, the clinical significance of this variant remains unclear.

Labcorp Genetics (formerly Invitae), Labcorp
Classification: Likely benign for Monocytopenia with susceptibility to infections; Deafness-lymphedema-leukemia syndrome. Last evaluated: 2023-11-01. Review status: criteria provided, single submitter. Criteria: Invitae Variant Classification Sherloc (09022015). Collection method: clinical testing. Allele origin: germline.

NM_032638.5(GATA2):c.1318G>A (p.Val440Met)

Gene: GATA2 (GATA binding protein 2; minus strand). Cytogenetic location: 3q21.3.
Variant type: single nucleotide variant.
Coding change: c.1318G>A on transcript NM_032638.5 (MANE Select); coding-DNA position 1318, G replaced by A.
Protein change: p.Val440Met; replaces valine 440 with methionine.
Molecular consequence: missense variant.
Genome position (GRCh38, 1-based): chr3:128,481,144, C>T on the plus strand (G>A on the coding strand, the complement: GATA2 is on the minus strand). VCF-style: chr3-128481144-C-T. GRCh37 (hg19) VCF-style: chr3-128199987-C-T.
Other names: c.1318G>A, p.Val440Met (NM_001145661.2); c.1276G>A, p.Val426Met (NM_001145662.1); short protein forms V426M, V440M.
Identifiers: ClinVar variation 834301 (VCV000834301.11), dbSNP rs1126559, ClinGen allele CA83376241.